The following is an entry in ClinVar:

NM_206933.4(USH2A):c.10061T>A (p.Val3354Glu)

Gene: USH2A (usherin; minus strand). Cytogenetic location: 1q41.
Variant type: single nucleotide variant.
Coding change: c.10061T>A on transcript NM_206933.4 (MANE Select); coding-DNA position 10061, T replaced by A.
Protein change: p.Val3354Glu; replaces valine 3354 with glutamic acid.
Molecular consequence: missense variant.
Genome position (GRCh38, 1-based): chr1:215,790,180, A>T on the plus strand (T>A on the coding strand, the complement: USH2A is on the minus strand). VCF-style: chr1-215790180-A-T. GRCh37 (hg19) VCF-style: chr1-215963522-A-T.
Other names: short protein forms V3354E.
Identifiers: ClinVar variation 2052652 (VCV002052652.1), dbSNP rs1325811823, ClinGen allele CA344844117.

ClinVar aggregate classification (germline): Uncertain significance (1 of 4 stars; one submission).

Allele frequency attached by ClinVar (database versions not stated): TOPMed below 0.00001; gnomAD 0.00002.
gnomAD v4.1: 3 of 1,614,048 alleles (0.00019%); highest among the groups gnomAD compares: Middle Eastern, 0.016%; no homozygotes.

Submission:

Labcorp Genetics (formerly Invitae), Labcorp
Classification: Uncertain significance. Last evaluated: 2022-07-12. Review status: criteria provided, single submitter. Criteria: Invitae Variant Classification Sherloc (09022015). Collection method: clinical testing. Allele origin: germline.
Comment: This sequence change replaces valine, which is neutral and non-polar, with glutamic acid, which is acidic and polar, at codon 3354 of the USH2A protein (p.Val3354Glu). This variant is present in population databases (no rsID available, gnomAD 0.01%). This variant has not been reported in the literature in individuals affected with USH2A-related conditions. Algorithms developed to predict the effect of missense changes on protein structure and function output the following: SIFT: "Deleterious"; PolyPhen-2: "Benign"; Align-GVGD: "Class C0". The glutamic acid amino acid residue is found in multiple mammalian species, which suggests that this missense change does not adversely affect protein function. In summary, the available evidence is currently insufficient to determine the role of this variant in disease. Therefore, it has been classified as a Variant of Uncertain Significance.